The following is an entry in ClinVar:

NM_001374828.1(ARID1B):c.6919C>T (p.Pro2307Ser)

Gene: ARID1B (AT-rich interaction domain 1B; plus strand). Cytogenetic location: 6q25.3.
Variant type: single nucleotide variant.
Coding change: c.6919C>T on transcript NM_001374828.1 (MANE Select); coding-DNA position 6919, C replaced by T.
Protein change: p.Pro2307Ser; replaces proline 2307 with serine.
Molecular consequence: missense variant.
Genome position (GRCh38, 1-based): chr6:157,207,691, C>T. VCF-style: chr6-157207691-C-T. GRCh37 (hg19) VCF-style: chr6-157528825-C-T.
Other names: c.4420C>T, p.Pro1474Ser (NM_001363725.2); c.6799C>T, p.Pro2267Ser (NM_001371656.1, NM_001374820.1); c.6760C>T, p.Pro2254Ser (NM_017519.3); c.6550C>T (NM_020732.3); short protein forms P1474S, P2254S, P2267S, P2307S.
Identifiers: ClinVar variation 3378319 (VCV003378319.1).
Genomic context (GRCh38, chr6:157,207,691, plus strand): 5'-GAGGATGGGGTCACGATGGCCCAGTACCAGCAGAGCCAGCACAACCTCATGCACATGCAG[C>T]CCCCGCCCCTGGAACCACCTAGCGTAGACATGATGTGCAGGGCGGCCAAGGCTTTGCTAG-3'
Protein context (NP_001361757.1, residues 2297-2317): QSQHNLMHMQ[Pro2307Ser]PPLEPPSVDM

ClinVar aggregate classification (germline): Uncertain significance (1 of 4 stars; one submission).

gnomAD v4.1: 2 of 1,608,978 alleles (0.00012%); highest among the groups gnomAD compares: Non-Finnish European, 0.00017%; no homozygotes.

Submission:

GeneDx
Classification: Uncertain significance. Last evaluated: 2024-05-14. Review status: criteria provided, single submitter. Criteria: GeneDx Variant Classification Process June 2021. Collection method: clinical testing. Allele origin: germline. Affected: yes.
Comment: In silico analysis indicates that this missense variant does not alter protein structure/function; Has not been previously published as pathogenic or benign to our knowledge